The following is an entry in ClinVar:

NM_032119.4(ADGRV1):c.7284T>C (p.Asn2428=)

Gene: ADGRV1 (adhesion G protein-coupled receptor V1; plus strand). Cytogenetic location: 5q14.3.
Variant type: single nucleotide variant.
Coding change: c.7284T>C on transcript NM_032119.4 (MANE Select); coding-DNA position 7284, T replaced by C.
Protein change: p.Asn2428=; no amino-acid change (asparagine 2428 retained).
Molecular consequence: synonymous variant. On other transcripts: non-coding transcript variant (1).
Genome position (GRCh38, 1-based): chr5:90,694,040, T>C. VCF-style: chr5-90694040-T-C. GRCh37 (hg19) VCF-style: chr5-89989857-T-C.
Identifiers: ClinVar variation 46367 (VCV000046367.25), dbSNP rs148932387, ClinGen allele CA138204.

ClinVar aggregate classification (germline): Benign/Likely benign. Review status: criteria provided, multiple submitters, no conflicts (2 of 4 stars). 7 submissions from 7 submitters: Benign (5); Likely benign (2). Last evaluated 2026-01-28.

Conditions:
Usher syndrome type 2C. Also called: Usher syndrome, type 2B; USHER SYNDROME, TYPE IIC. Identifiers: Orphanet 231178, Orphanet 886, MedGen C2931213, MONDO:0011558, OMIM 605472.

Allele frequency attached by ClinVar (database versions not stated): gnomAD exomes 0.00024 and 0.00059; ExAC 0.00072; gnomAD 0.00231 and 0.00242; ESP Exome Variant Server 0.00232; TOPMed 0.00266; 1000 Genomes Project 0.00439; 1000 Genomes Project 30x 0.00500.
gnomAD v4.1: 713 of 1,613,798 alleles (0.044%); highest among the groups gnomAD compares: African/African-American, 0.88%; 7 homozygotes.

Submissions (7):

Labcorp Genetics (formerly Invitae), Labcorp
Classification: Benign. Last evaluated: 2026-01-28. Review status: criteria provided, single submitter. Criteria: Invitae Variant Classification Sherloc (09022015). Collection method: clinical testing. Allele origin: germline.

Illumina Laboratory Services, Illumina
Classification: Benign for Usher syndrome type 2C. Last evaluated: 2025-04-08. Review status: criteria provided, single submitter. Criteria: ICSLVariantClassificationCriteria RUGD 01 April 2020. Collection method: clinical testing. Allele origin: unknown.

Blueprint Genetics
Classification: Likely benign. Last evaluated: 2024-11-13. Review status: criteria provided, single submitter. Criteria: ACMG Guidelines, 2015. Collection method: clinical testing. Allele origin: germline.

GeneDx
Classification: Benign. Last evaluated: 2018-05-23. Review status: criteria provided, single submitter. Criteria: GeneDx Variant Classification (06012015). Collection method: clinical testing. Allele origin: germline. Affected: yes.
Comment: This variant is considered likely benign or benign based on one or more of the following criteria: it is a conservative change, it occurs at a poorly conserved position in the protein, it is predicted to be benign by multiple in silico algorithms, and/or has population frequency not consistent with disease.

Athena Diagnostics
Classification: Likely benign. Last evaluated: 2018-01-24. Review status: criteria provided, single submitter. Criteria: Athena Diagnostics Criteria. Collection method: clinical testing. Allele origin: germline.

Eurofins Ntd Llc (ga)
Classification: Benign. Last evaluated: 2016-06-13. Review status: criteria provided, single submitter. Criteria: EGL Classification Definitions 2015. Collection method: clinical testing. Allele origin: germline. Observed: 1 variant allele, 1 heterozygote.

Laboratory for Molecular Medicine, Mass General Brigham Personalized Medicine
Classification: Benign. Last evaluated: 2012-05-14. Review status: criteria provided, single submitter. Criteria: LMM Criteria. Collection method: clinical testing. Allele origin: germline. Observed: 4 variant alleles.
Comment: Asn2428Asn in Exon 33 of GPR98: This variant is not expected to have clinical si gnificance because it does not alter an amino acid residue, is not located withi n the splice consensus sequence, and has been identified in 0.6% (20/3140) of Af rican American chromosomes from a broad population by the NHLBI Exome Sequencing Project (dbSNP rs148932387).